The following is an entry in ClinVar:

NM_001384479.1(AGT):c.511G>A (p.Val171Ile)

Gene: AGT (angiotensinogen; minus strand). Cytogenetic location: 1q42.2.
Variant type: single nucleotide variant.
Coding change: c.511G>A on transcript NM_001384479.1 (MANE Select); coding-DNA position 511, G replaced by A.
Protein change: p.Val171Ile; replaces valine 171 with isoleucine.
Molecular consequence: missense variant.
Genome position (GRCh38, 1-based): chr1:230,710,313, C>T on the plus strand (G>A on the coding strand, the complement: AGT is on the minus strand). VCF-style: chr1-230710313-C-T. GRCh37 (hg19) VCF-style: chr1-230846059-C-T.
Other names: c.511G>A, p.Val171Ile (NM_001382817.3); short protein forms V171I.
Identifiers: ClinVar variation 2091998 (VCV002091998.4), dbSNP rs1226490025, ClinGen allele CA345206402.

ClinVar aggregate classification (germline): Uncertain significance (1 of 4 stars; one submission).

Allele frequency attached by ClinVar (database versions not stated): TOPMed below 0.00001.

Submission:

Labcorp Genetics (formerly Invitae), Labcorp
Classification: Uncertain significance. Last evaluated: 2025-06-12. Review status: criteria provided, single submitter. Criteria: Invitae Variant Classification Sherloc (09022015). Collection method: clinical testing. Allele origin: germline.
Comment: This sequence change replaces valine, which is neutral and non-polar, with isoleucine, which is neutral and non-polar, at codon 180 of the AGT protein (p.Val180Ile). This variant is not present in population databases (gnomAD no frequency). This variant has not been reported in the literature in individuals affected with AGT-related conditions. ClinVar contains an entry for this variant (Variation ID: 2091998). Invitae Evidence Modeling of protein sequence and biophysical properties (such as structural, functional, and spatial information, amino acid conservation, physicochemical variation, residue mobility, and thermodynamic stability) indicates that this missense variant is not expected to disrupt AGT protein function with a negative predictive value of 80%. In summary, the available evidence is currently insufficient to determine the role of this variant in disease. Therefore, it has been classified as a Variant of Uncertain Significance.